The following is an entry in ClinVar:

NM_005198.5(CHKB):c.423G>T (p.Glu141Asp)

Genes: CHKB (choline kinase beta; minus strand), CHKB-CPT1B (CHKB-CPT1B readthrough (NMD candidate); minus strand). Cytogenetic location: 22q13.33.
Variant type: single nucleotide variant.
Coding change: c.423G>T on transcript NM_005198.5 (MANE Select); coding-DNA position 423, G replaced by T.
Protein change: p.Glu141Asp; replaces glutamic acid 141 with aspartic acid.
Molecular consequence: missense variant. On other transcripts: non-coding transcript variant (1).
Genome position (GRCh38, 1-based): chr22:50,581,773, C>A on the plus strand (G>T on the coding strand, the complement: CHKB is on the minus strand). VCF-style: chr22-50581773-C-A. GRCh37 (hg19) VCF-style: chr22-51020202-C-A.
Other names: short protein forms E141D.
Identifiers: ClinVar variation 1062639 (VCV001062639.8), dbSNP rs766046984, ClinGen allele CA10323788.
Genomic context (GRCh38, chr22:50,581,773, plus strand): 5'-TGCCTTGGGGAGGAGAGGGTAGGACTGGGCCCGTACTGGGATGTACTGTTCCAGCCGGCC[C>A]TCTGGGAAGACTCCGTACAGCTGGGGCCCCAGCGACCGCTCCGCAAGTATGGCGAACATC-3'
Protein context (NP_005189.2, residues 131-151): LGPQLYGVFP[Glu141Asp]GRLEQYIPSR

ClinVar aggregate classification (germline): Uncertain significance (1 of 4 stars; one submission).

Conditions:
Megaconial type congenital muscular dystrophy (MDCMC). Also called: MUSCULAR DYSTROPHY, CONGENITAL, WITH MITOCHONDRIAL STRUCTURAL ABNORMALITIES; CHKB-Related Muscular Dystrophy; CHKB-Related Muscle Diseases. Identifiers: Orphanet 280671, MedGen C1865233, MONDO:0011246, OMIM 602541.

Allele frequency attached by ClinVar (database versions not stated): gnomAD exomes below 0.00001 and 0.00001; ExAC 0.00001.

Submission:

Labcorp Genetics (formerly Invitae), Labcorp
Classification: Uncertain significance for Megaconial type congenital muscular dystrophy. Last evaluated: 2021-12-23. Review status: criteria provided, single submitter. Criteria: Invitae Variant Classification Sherloc (09022015). Collection method: clinical testing. Allele origin: germline.
Comment: This sequence change replaces glutamic acid, which is acidic and polar, with aspartic acid, which is acidic and polar, at codon 141 of the CHKB protein (p.Glu141Asp). In summary, the available evidence is currently insufficient to determine the role of this variant in disease. Therefore, it has been classified as a Variant of Uncertain Significance. Algorithms developed to predict the effect of missense changes on protein structure and function (SIFT, PolyPhen-2, Align-GVGD) all suggest that this variant is likely to be tolerated. ClinVar contains an entry for this variant (Variation ID: 1062639). This variant has not been reported in the literature in individuals affected with CHKB-related conditions. This variant is present in population databases (rs766046984, gnomAD 0.003%).